The following is an entry in ClinVar:

NM_003476.5(CSRP3):c.583T>C (p.Ter195Arg)

Gene: CSRP3 (cysteine and glycine rich protein 3; minus strand). Cytogenetic location: 11p15.1.
Variant type: single nucleotide variant.
Coding change: c.583T>C on transcript NM_003476.5 (MANE Select); coding-DNA position 583, T replaced by C.
Protein change: p.Ter195Arg.
Molecular consequence: stop lost. On other transcripts: synonymous variant (1).
Genome position (GRCh38, 1-based): chr11:19,182,672, A>G on the plus strand (T>C on the coding strand, the complement: CSRP3 is on the minus strand). VCF-style: chr11-19182672-A-G. GRCh37 (hg19) VCF-style: chr11-19204219-A-G.
Other names: c.583T>C, p.Ter195Arg (NM_001127656.1); c.414T>C, p.Asn138= (NM_001369404.1).
Identifiers: ClinVar variation 1803271 (VCV001803271.3), dbSNP rs774359383, ClinGen allele CA5916501.

ClinVar aggregate classification (germline): Uncertain significance. Review status: criteria provided, multiple submitters, no conflicts (2 of 4 stars). 2 submissions from 2 submitters: Uncertain significance (2). Last evaluated 2025-07-02.

Conditions:
Hypertrophic cardiomyopathy 12. Identifiers: MedGen C2677491, MONDO:0012804, OMIM 612124.
Dilated cardiomyopathy 1M (CMD1M). Identifiers: Orphanet 154, MedGen C1843808, MONDO:0011840, OMIM 607482.

Allele frequency attached by ClinVar (database versions not stated): gnomAD exomes below 0.00001; ExAC 0.00001.
gnomAD v4.1: 2 of 1,614,100 alleles (0.00012%); highest among the groups gnomAD compares: Non-Finnish European, 0.000085%; no homozygotes.

Submissions (2):

Labcorp Genetics (formerly Invitae), Labcorp
Classification: Uncertain significance for Hypertrophic cardiomyopathy 12; Dilated cardiomyopathy 1M. Last evaluated: 2025-07-02. Review status: criteria provided, single submitter. Criteria: Invitae Variant Classification Sherloc (09022015). Collection method: clinical testing. Allele origin: germline.
Comment: This sequence change disrupts the translational stop signal of the CSRP3 mRNA. It is expected to extend the length of the CSRP3 protein by 33 additional amino acid residues. This variant is present in population databases (rs774359383, gnomAD 0.0009%). This variant has not been reported in the literature in individuals affected with CSRP3-related conditions. ClinVar contains an entry for this variant (Variation ID: 1803271). Experimental studies and prediction algorithms are not available or were not evaluated, and the functional significance of this variant is currently unknown. This variant results in an extension of the CSRP3 protein. Other variant(s) that result in a similarly extended protein product (p.*195Cysext*33) have been observed in individuals with CSRP3-related disease (PMID: 32344918). This suggests that these extensions may be clinically significant. In summary, the available evidence is currently insufficient to determine the role of this variant in disease. Therefore, it has been classified as a Variant of Uncertain Significance.

Genetics and Molecular Pathology, SA Pathology
Classification: Uncertain significance for Hypertrophic cardiomyopathy 12. Last evaluated: 2022-04-06. Review status: criteria provided, single submitter. Criteria: ACMG Guidelines, 2015. Collection method: clinical testing. Allele origin: germline. Affected: yes.

Literature cited by the submitters: PubMed 32344918 (cited by Labcorp Genetics (formerly Invitae), Labcorp).